The following is an entry in ClinVar:

NM_000277.3(PAH):c.194T>C (p.Ile65Thr)

Gene: PAH (phenylalanine hydroxylase; minus strand). Cytogenetic location: 12q23.2.
Variant type: single nucleotide variant.
Coding change: c.194T>C on transcript NM_000277.3 (MANE Select); coding-DNA position 194, T replaced by C.
Protein change: p.Ile65Thr; replaces isoleucine 65 with threonine.
Molecular consequence: missense variant.
Genome position (GRCh38, 1-based): chr12:102,894,893, A>G on the plus strand (T>C on the coding strand, the complement: PAH is on the minus strand). VCF-style: chr12-102894893-A-G. GRCh37 (hg19) VCF-style: chr12-103288671-A-G.
Other names: p.I65T:ATT>ACT; NM_000277.2(PAH):c.194T>C; c.194T>C, p.Ile65Thr (NM_001354304.2); short protein forms I65T.
Identifiers: ClinVar variation 636 (VCV000000636.143), dbSNP rs75193786, ClinGen allele CA251544.
Genomic context (GRCh38, chr12:102,894,893, plus strand): 5'-TTATCCAAATGGGTGAAAAATTCATACTCATCTTTCTTTAAACGAGAAGGTCTAGATTCA[A>G]TGTGGGTCAGGTTTACATCATTCTCCTAGAAGAGAGAATGGGGAGGGTGAGGAGACAGTC-3'
Protein context (NP_000268.1, residues 55-75): FEENDVNLTH[Ile65Thr]ESRPSRLKKD

ClinVar aggregate classification (germline): Pathogenic. Review status: reviewed by expert panel (3 of 4 stars). 31 submissions from 31 submitters: Pathogenic (1). 30 of the submissions do not count toward it. Last evaluated 2018-04-21.

Conditions:
PAH-related disorder. Also called: PAH-related condition.
Inborn genetic diseases. Identifiers: MedGen C0950123, MeSH D030342.
Phenylketonuria (PKU). Also called: FOLLING DISEASE; OLIGOPHRENIA PHENYLPYRUVICA; Phenylketonurias; Phenylketonuria (PKU). Identifiers: Orphanet 716, MedGen C0031485, MONDO:0009861, OMIM 261600. Disease mechanism: loss of function.

Allele frequency attached by ClinVar (database versions not stated): gnomAD exomes 0.00063 and 0.00027; ExAC 0.00018; gnomAD 0.00030 and 0.00032; TOPMed 0.00030.

Submissions 1 to 8 of 31:

ClinGen PAH Variant Curation Expert Panel
Classification: Pathogenic for Phenylketonuria. Last evaluated: 2018-04-21. Review status: reviewed by expert panel. Criteria: ClinGen PAH ACMG Specifications v1. Collection method: curation. Allele origin: germline. Inheritance: Autosomal recessive inheritance.
Comment: PAH-specific ACMG/AMP criteria applied: PM3_VeryStrong: Detected with Y414C (P), R408W (P), P281L (P), IVS10nt-11 (P), R252W (P/LP), and R243Q(P). (PMID:12501224; PMID:1301201; PMID:10767174); PP3: Predicted dleterious in SIZFT, Polyphen2, MutationTaster. REVEL=0.985; BH4 deficiency excluded. Upgraded per ClinGen PAH EP. (PMID:12501224); PS3: 25% mutant enzyme activity in COS cells as compared in wt (PMID:1301201). In summary this variant meets criteria to be classified as pathogenic for phenylketonuria in an autosomal recessive manner based on the ACMG/AMP criteria applied as specified by the PAH Expert Panel: (PM3_VeryStrong, PP3, PP4_Moderate, PS3).

PreventionGenetics, part of Exact Sciences
Classification: Pathogenic for PAH-related condition. Last evaluated: 2026-09-24. Review status: criteria provided, single submitter. Criteria: ACMG Guidelines, 2015. Collection method: clinical testing. Allele origin: germline. Not counted in ClinVar's aggregate classification.
Comment: The PAH c.194T>C variant is predicted to result in the amino acid substitution p.Ile65Thr. This variant has been reported in the literature as causative for phenylalanine hydroxylase deficiency (for example, see Eisensmith and Woo et al. 1992. PubMed ID: 1301187; Zschocke et al. 1995. PubMed ID: 8533759; Jeannesson-Thivisol et al. 2015. PubMed ID: 26666653; Hillert et al. 2020. PubMed ID: 32668217; Vela-Amieva et al. 2021. PubMed ID: 34828281). Based on functional studies, the p.Ile65Thr amino acid change has been reported to result in reduced PAH protein level and reduced enzyme activity, and has been classified as a BH4-responsive amino acid substitution (Zurflüh et al. 2008. PubMed ID: 17935162; Shi et al. 2012. PubMed ID: 21953985). Multiple other laboratories, as well as the ClinGen PAH Variant Curation Expert Panel, classify this variant as pathogenic or likely pathogenic (Variation ID: 636). Based on these observations, this variant is interpreted as pathogenic.

CeGaT Center for Human Genetics Tuebingen
Classification: Pathogenic. Last evaluated: 2026-04-01. Review status: criteria provided, single submitter. Criteria: CeGaT Center For Human Genetics Tuebingen Variant Classification Criteria Version 2. Collection method: clinical testing. Allele origin: germline. Affected: yes. Observed: 7 variant alleles. Not counted in ClinVar's aggregate classification.
Comment: PAH: PM3:Very Strong, PM2, PM5, PP4:Moderate, PP3, PS3:Supporting

Dasa
Classification: Pathogenic. Last evaluated: 2026-03-20. Review status: criteria provided, single submitter. Criteria: DASA Assertion Criteria. Collection method: clinical testing. Allele origin: germline. Not counted in ClinVar's aggregate classification.
Comment: NM_000277.3(PAH):c.194T>C (p.Ile65Thr) is a missense variant that results in the substitution of isoleucine with threonine. Functional evidence supports a deleterious effect on the gene or gene product (PMID: 12655546; PMID: 12501224; PMID: 1301201; PMID: 10767174). This variant has been recurrently observed in individuals with related phenotype (PMID: 12655546; PMID: 12501224; PMID: 1301201; PMID: 10767174). The variant is present at low frequency in population datasets. Based on the available data, this variant is classified as pathogenic.

Labcorp Genetics (formerly Invitae), Labcorp
Classification: Pathogenic for Phenylketonuria. Last evaluated: 2026-02-03. Review status: criteria provided, single submitter. Criteria: Invitae Variant Classification Sherloc (09022015). Collection method: clinical testing. Allele origin: germline. Not counted in ClinVar's aggregate classification.
Comment: This sequence change replaces isoleucine, which is neutral and non-polar, with threonine, which is neutral and polar, at codon 65 of the PAH protein (p.Ile65Thr). This variant is present in population databases (rs75193786, gnomAD 0.05%). This missense change has been observed in individual(s) with PAH-related conditions (PMID: 12655546, 23500595, 25596310). ClinVar contains an entry for this variant (Variation ID: 636). Invitae Evidence Modeling of protein sequence and biophysical properties (such as structural, functional, and spatial information, amino acid conservation, physicochemical variation, residue mobility, and thermodynamic stability) indicates that this missense variant is expected to disrupt PAH protein function with a positive predictive value of 80%. Experimental studies have shown that this missense change affects PAH function (PMID: 12655546, 17935162, 26803807). For these reasons, this variant has been classified as Pathogenic.

Clinical Genomics Laboratory, Washington University in St. Louis
Classification: Pathogenic for Phenylketonuria. Last evaluated: 2025-11-05. Review status: criteria provided, single submitter. Criteria: ACMG Guidelines, 2015. Collection method: clinical testing. Allele origin: germline. Affected: yes. Not counted in ClinVar's aggregate classification.
Comment: The PAH c.194T>C (p.Ile65Thr) variant has been reported in several individuals affected with phenylalanine hydroxylase deficiency. Of those individuals, at least 13 were compound heterozygous for the variant and a pathogenic or likely pathogenic variant, and two individuals were homozygous for the variant (Carter KC et al., PMID: 9781015; Couce ML et al., PMID: 23500595; Desviat LR et al., PMID: 11524738; Erlandsen H et al., PMID: 15557004; Gjetting T et al., PMID: 11326337; John SW et al., PMID: 1301201; Muntau AC et al., PMID: 12501224; Zurfluh MR et al., PMID: 17935162). This variant has been reported in the ClinVar database as a germline pathogenic variant by 26 submitters and as a germline likely pathogenic variant by two submitters. The highest population minor allele frequency in the Genome Aggregation Database (v2.1.1) is 0.0558% in the European (non-Finnish) population. Computational predictors indicate that the variant is damaging, evidence that correlates with an impact on PAH function. Functional studies show decreased PAH activity in vitro compared to wild-type activity, depending on the second deleterious alteration (Zurfluh MR et al., PMID: 17935162). Additionally, analyses of the steady-state kinetic parameters show significantly decreased apparent affinity for BH4, indicating that this variant impacts protein function (Erlandsen H et al., PMID: 15557004). Other variants in the same codon, c.194T>G (p.Ile65Ser) and c.194T>A (p.Ile65Asn), are considered pathogenic according to the PAH Expert Panel (ClinVar Variation IDs: 102624 and 102623, respectively). Based on available information, the ACMG/AMP guidelines for variant interpretation (Richards S et al., PMID: 25741868) and the ClinGen Phenylketonuria Expert Panel Specifications to the ACMG/AMP Variant Interpretation Guidelines for PAH Version 2.0.0, this variant is classified as pathogenic.

Victorian Clinical Genetics Services, Murdoch Childrens Research Institute
Classification: Pathogenic for Phenylketonuria. Last evaluated: 2025-08-22. Review status: criteria provided, single submitter. Criteria: ACMG Guidelines, 2015. Collection method: clinical testing. Allele origin: germline. Affected: no. Not counted in ClinVar's aggregate classification.
Comment: This variant is classified as Pathogenic. Evidence in support of pathogenic classification: Variant is present in gnomAD <0.01 for a recessive condition (v4: 967 heterozygote(s), 1 homozygote(s)); This variant has strong previous evidence of pathogenicity in unrelated individuals. This variant has been classified as pathogenic by the ClinGen PAH Variant Curation Expert Panel (ClinVar). It is one of the most common pathogenic variants reported in individuals with classic PKU (PMID: 33465300, BIOPKU database). Additional information: Variant is predicted to result in a missense amino acid change from Ile to Thr; This variant is heterozygous; This gene is associated with autosomal recessive disease; Variant is located in the annotated ACT domain (DECIPHER); Loss of function is a known mechanism of disease in this gene and is associated with phenylketonuria (MIM#261600).

Natera, Inc.
Classification: Pathogenic for Phenylketonuria. Last evaluated: 2025-08-06. Review status: criteria provided, single submitter. Criteria: Natera Variant Classification Schema (03/2026). Collection method: clinical testing. Allele origin: germline. Not counted in ClinVar's aggregate classification.
Comment: The c.194T>C variant in PAH is a missense variant predicted to cause substitution of isoleucine to threonine at amino acid 65. This variant is rare in the general population with a frequency below the threshold expected for the associated phenotype(s). This variant has been observed in one or more individuals affected with the associated recessive disease, as either homozygous or compound heterozygous with a second variant (PMID: 20082265, 23430918). Given the available evidence, this variant is classified as Pathogenic.